The following is an entry in ClinVar:

NM_006231.4(POLE):c.5368A>C (p.Asn1790His)

Gene: POLE (DNA polymerase epsilon, catalytic subunit; minus strand). Cytogenetic location: 12q24.33.
Variant type: single nucleotide variant.
Coding change: c.5368A>C on transcript NM_006231.4 (MANE Select); coding-DNA position 5368, A replaced by C.
Protein change: p.Asn1790His; replaces asparagine 1790 with histidine.
Molecular consequence: missense variant.
Genome position (GRCh38, 1-based): chr12:132,641,657, T>G on the plus strand (A>C on the coding strand, the complement: POLE is on the minus strand). VCF-style: chr12-132641657-T-G. GRCh37 (hg19) VCF-style: chr12-133218243-T-G.
Other names: c.5368A>C (NM_006231.2); short protein forms N1790H.
Identifiers: ClinVar variation 3664027 (VCV003664027.4).

ClinVar aggregate classification (germline): Uncertain significance. Review status: criteria provided, multiple submitters, no conflicts (2 of 4 stars). 2 submissions from 2 submitters: Uncertain significance (2). Last evaluated 2025-12-09.

Conditions:
Hereditary cancer-predisposing syndrome. Also called: Hereditary Cancer Syndrome; Tumor predisposition; Hereditary neoplastic syndrome; Neoplastic Syndromes, Hereditary. Identifiers: Orphanet 140162, MedGen C0027672, MeSH D009386, MONDO:0015356.

Submissions (2):

Ambry Genetics
Classification: Uncertain significance for Hereditary cancer-predisposing syndrome. Last evaluated: 2025-12-09. Review status: criteria provided, single submitter. Criteria: Ambry Variant Classification Scheme 2023. Collection method: clinical testing. Allele origin: germline.
Comment: The p.N1790H variant (also known as c.5368A>C), located in coding exon 39 of the POLE gene, results from an A to C substitution at nucleotide position 5368. The asparagine at codon 1790 is replaced by histidine, an amino acid with similar properties. This amino acid position is conserved. In addition, this alteration is predicted to be tolerated by in silico analysis. Based on the available evidence, the clinical significance of this variant remains unclear.

Labcorp Genetics (formerly Invitae), Labcorp
Classification: Uncertain significance. Last evaluated: 2025-03-16. Review status: criteria provided, single submitter. Criteria: Invitae Variant Classification Sherloc (09022015). Collection method: clinical testing. Allele origin: germline.
Comment: This sequence change replaces asparagine, which is neutral and polar, with histidine, which is basic and polar, at codon 1790 of the POLE protein (p.Asn1790His). This variant is present in population databases (no rsID available, gnomAD 0.006%). This variant has not been reported in the literature in individuals affected with POLE-related conditions. Invitae Evidence Modeling of protein sequence and biophysical properties (such as structural, functional, and spatial information, amino acid conservation, physicochemical variation, residue mobility, and thermodynamic stability) indicates that this missense variant is not expected to disrupt POLE protein function with a negative predictive value of 80%. In summary, the available evidence is currently insufficient to determine the role of this variant in disease. Therefore, it has been classified as a Variant of Uncertain Significance.